The following is an entry in ClinVar:

NM_001042492.3(NF1):c.3082_3086del (p.Asp1028fs)

Gene: NF1 (neurofibromin 1; plus strand). Cytogenetic location: 17q11.2.
Variant type: Deletion.
Coding change: c.3082_3086del on transcript NM_001042492.3 (MANE Select); coding-DNA positions 3082 to 3086, 5 bases deleted (GACCT; older notation c.3082_3086delGACCT).
Protein change: p.Asp1028fs; shifts the reading frame from aspartic acid 1028.
Molecular consequence: frameshift variant.
Genome position (GRCh38, 1-based): chr17:31,230,351-31,230,355, GACCT deleted; deleting any 5 consecutive bases within chr17:31,230,350-31,230,355 gives the same sequence; the c. name uses the placement nearest the transcript's 3' end. VCF-style (leftmost placement, unchanged base first): chr17-31230349-ATGACC-A. GRCh37 (hg19) VCF-style: chr17-29557367-ATGACC-A.
Other names: c.3082_3086delGACCT, p.Asp1028Leufs (NM_000267.4); c.3082_3086delGACCT (NM_000267.3); short protein forms D1028fs.
Identifiers: ClinVar variation 1687465 (VCV001687465.2), dbSNP rs2151431696, ClinGen allele CA2573153329.

ClinVar aggregate classification (germline): Pathogenic/Likely pathogenic. Review status: criteria provided, multiple submitters, no conflicts (2 of 4 stars). 2 submissions from 2 submitters: Pathogenic (1); Likely pathogenic (1). Last evaluated 2025-04-02.

Conditions:
Hereditary cancer-predisposing syndrome. Also called: Neoplastic Syndromes, Hereditary; Hereditary neoplastic syndrome; Tumor predisposition; Hereditary Cancer Syndrome. Identifiers: Orphanet 140162, MedGen C0027672, MeSH D009386, MONDO:0015356.
Cardiovascular phenotype. Identifiers: MedGen CN230736.
Neurofibromatosis, type 1 (NF1). Also called: Neurofibromatosis, type I; NEUROFIBROMATOSIS, TYPE I, SOMATIC; VON RECKLINGHAUSEN DISEASE; Peripheral type neurofibromatosis. Identifiers: Orphanet 636, MedGen C0027831, MONDO:0018975, OMIM 162200. Disease mechanism: loss of function.

Submissions (2):

Ambry Genetics
Classification: Pathogenic for Cardiovascular phenotype; Hereditary cancer-predisposing syndrome. Last evaluated: 2025-04-02. Review status: criteria provided, single submitter. Criteria: Ambry Variant Classification Scheme 2023. Collection method: clinical testing. Allele origin: germline.
Comment: The c.3082_3086delGACCT pathogenic mutation, located in coding exon 23 of the NF1 gene, results from a deletion of 5 nucleotides at nucleotide positions 3082 to 3086, causing a translational frameshift with a predicted alternate stop codon (p.D1028Lfs*9). This variant is considered to be rare based on population cohorts in the Genome Aggregation Database (gnomAD). This alteration is expected to result in loss of function by premature protein truncation or nonsense-mediated mRNA decay. As such, this alteration is interpreted as a disease-causing mutation.

3billion
Classification: Likely pathogenic for Neurofibromatosis, type 1. Last evaluated: 2022-05-22. Review status: criteria provided, single submitter. Criteria: ACMG Guidelines, 2015. Collection method: clinical testing. Allele origin: germline. Affected: yes. Observed: 1 heterozygote.
Comment: The variant is not observed in the gnomAD v2.1.1 dataset. Frameshift: predicted to result in a loss or disruption of normal protein function through nonsense-mediated decay (NMD) or protein truncation. Multiple pathogenic variants are reported downstream of the variant. Therefore, this variant is classified as likely pathogenic according to the recommendation of ACMG/AMP guideline.